The following is an entry in ClinVar:

ClinVar aggregate classification (germline): Uncertain significance (1 of 4 stars; one submission).

Conditions:
Frontotemporal dementia and/or amyotrophic lateral sclerosis 1 (FTDALS1). Also called: C9orf72 Frontotemporal Dementia and/or Amyotrophic Lateral Sclerosis; Frontotemporal dementia with motor neuron disease 1. Identifiers: Orphanet 275872, MedGen C5779877, MONDO:0007105, OMIM 105550.
Paget disease of bone 2, early-onset (PDB2). Also called: Paget disease of bone 2. Identifiers: MedGen C4085251, MONDO:0011183, OMIM 602080.

Submission:

Labcorp Genetics (formerly Invitae), Labcorp
Classification: Uncertain significance for Paget disease of bone 2, early-onset; Frontotemporal dementia and/or amyotrophic lateral sclerosis 1. Last evaluated: 2022-08-23. Review status: criteria provided, single submitter. Criteria: Invitae Variant Classification Sherloc (09022015). Collection method: clinical testing. Allele origin: germline.
Comment: In summary, the available evidence is currently insufficient to determine the role of this variant in disease. Therefore, it has been classified as a Variant of Uncertain Significance. This variant disrupts a region of the SQSTM1 protein in which other variant(s) (p.Ala381Val) have been observed in individuals with SQSTM1-related conditions (PMID: 17129171, 24042580). This suggests that this is a clinically significant region of the protein, and that variants that disrupt it are likely to be disease-causing. This variant has not been reported in the literature in individuals affected with SQSTM1-related conditions. This variant is a gross deletion of the genomic region encompassing exon(s) 6-7 of the SQSTM1 gene. This variant would be expected to be in-frame, preserving the integrity of the reading frame.

Literature cited by the submitters: PubMed 17129171; PubMed 24042580.

NC_000005.9:g.(?_179260012)_(179260802_?)del

Gene: SQSTM1 (sequestosome 1; plus strand). Cytogenetic location: 5q35.3.
Variant type: Deletion.
Identifiers: ClinVar variation 1448318 (VCV001448318.7).